The following is an entry in ClinVar:

NM_173076.3(ABCA12):c.7247C>T (p.Pro2416Leu)

Genes: ABCA12 (ATP binding cassette subfamily A member 12; minus strand), SNHG31 (small nucleolar RNA host gene 31; plus strand). Cytogenetic location: 2q35.
Variant type: single nucleotide variant.
Coding change: c.7247C>T on transcript NM_173076.3 (MANE Select); coding-DNA position 7247, C replaced by T.
Protein change: p.Pro2416Leu; replaces proline 2416 with leucine.
Molecular consequence: missense variant. On other transcripts: non-coding transcript variant (1).
Genome position (GRCh38, 1-based): chr2:214,945,097, G>A on the plus strand (C>T on the coding strand, the complement: ABCA12 is on the minus strand). VCF-style: chr2-214945097-G-A. GRCh37 (hg19) VCF-style: chr2-215809821-G-A.
Other names: c.6293C>T, p.Pro2098Leu (NM_015657.4); short protein forms P2416L, P2098L.
Identifiers: ClinVar variation 633831 (VCV000633831.5), dbSNP rs764355087, ClinGen allele CA2090699.
Genomic context (GRCh38, chr2:214,945,097, plus strand): 5'-ACTTCTTCTGAAATGATCTTCCAGAGGTGCCGTTTCGACTTCGGATCCATGCCAGAGCTC[G>A]GCTCATCCTTAATAGAAAGTTACAACAAAAATTTATCAAATTAATTAATTTTTGATGAAG-3'
Protein context (NP_775099.2, residues 2406-2426): GKPSILLLDE[Pro2416Leu]SSGMDPKSKR

ClinVar aggregate classification (germline): Likely pathogenic. Review status: criteria provided, multiple submitters, no conflicts (2 of 4 stars). 3 submissions from 3 submitters: Likely pathogenic (3). Last evaluated 2023-08-18.

Conditions:
ABCA12-related disorder. Also called: ABCA12-related condition.
Autosomal recessive congenital ichthyosis 4B (ARCI4B). Also called: ICHTHYOSIS CONGENITA, HARLEQUIN FETUS TYPE; Ichthyosis, congenital, autosomal recessive 4B (harlequin); Harlequin Fetus; HARLEQUIN ICHTHYOSIS. Identifiers: Orphanet 457, MedGen C0598226, MONDO:0009443, OMIM 242500.

Allele frequency attached by ClinVar (database versions not stated): TOPMed below 0.00001; gnomAD 0.00001; gnomAD exomes 0.00001 and 0.00002; ExAC 0.00003.
gnomAD v4.1: 21 of 1,612,798 alleles (0.0013%); highest among the groups gnomAD compares: South Asian, 0.0033%; no homozygotes.

Submissions (3):

Labcorp Genetics (formerly Invitae), Labcorp
Classification: Likely pathogenic. Last evaluated: 2023-08-18. Review status: criteria provided, single submitter. Criteria: Invitae Variant Classification Sherloc (09022015). Collection method: clinical testing. Allele origin: germline.
Comment: In summary, the currently available evidence indicates that the variant is pathogenic, but additional data are needed to prove that conclusively. Therefore, this variant has been classified as Likely Pathogenic. Advanced modeling of protein sequence and biophysical properties (such as structural, functional, and spatial information, amino acid conservation, physicochemical variation, residue mobility, and thermodynamic stability) performed at Invitae indicates that this missense variant is expected to disrupt ABCA12 protein function. ClinVar contains an entry for this variant (Variation ID: 633831). This missense change has been observed in individual(s) with autosomal recessive congenital ichthyosis (PMID: 30578701). This variant is present in population databases (rs764355087, gnomAD 0.003%). This sequence change replaces proline, which is neutral and non-polar, with leucine, which is neutral and non-polar, at codon 2416 of the ABCA12 protein (p.Pro2416Leu).

Blueprint Genetics
Classification: Likely pathogenic for ABCA12-related disorders. Last evaluated: 2021-03-29. Review status: criteria provided, single submitter. Criteria: ACMG Guidelines, 2015. Collection method: clinical testing. Allele origin: germline. Affected: yes. Observed: 3 variant alleles.

Uitto Lab, Thomas Jefferson University
Classification: Likely pathogenic for Harlequin fetus. Last evaluated: 2018-06-08. Review status: criteria provided, single submitter. Criteria: ACMG Guidelines, 2015. Collection method: clinical testing. Allele origin: germline. Affected: yes. Study: Rare heritable connective tissue and skin disorders in Iranian cohort.

Literature cited by the submitters: PubMed 30578701 (cited by Labcorp Genetics (formerly Invitae), Labcorp).